The following is an entry in ClinVar:

ClinVar aggregate classification (germline): Uncertain significance (1 of 4 stars; one submission).

Conditions:
Hereditary cancer-predisposing syndrome. Also called: Hereditary neoplastic syndrome; Tumor predisposition; Hereditary Cancer Syndrome; Neoplastic Syndromes, Hereditary. Identifiers: Orphanet 140162, MedGen C0027672, MeSH D009386, MONDO:0015356.

Submission:

Ambry Genetics
Classification: Uncertain significance for Hereditary cancer-predisposing syndrome. Last evaluated: 2023-07-21. Review status: criteria provided, single submitter. Criteria: Ambry Variant Classification Scheme 2023. Collection method: clinical testing. Allele origin: germline.
Comment: The p.P307R variant (also known as c.920C>G), located in coding exon 6 of the NTHL1 gene, results from a C to G substitution at nucleotide position 920. The proline at codon 307 is replaced by arginine, an amino acid with dissimilar properties. This amino acid position is poorly conserved in available vertebrate species. In addition, this alteration is predicted to be deleterious by in silico analysis. Since supporting evidence is limited at this time, the clinical significance of this alteration remains unclear.

NM_002528.7(NTHL1):c.896C>G (p.Pro299Arg)

Gene: NTHL1 (nth like DNA glycosylase 1; minus strand). Cytogenetic location: 16p13.3.
Variant type: single nucleotide variant.
Coding change: c.896C>G on transcript NM_002528.7 (MANE Select); coding-DNA position 896, C replaced by G.
Protein change: p.Pro299Arg; replaces proline 299 with arginine.
Molecular consequence: missense variant.
Genome position (GRCh38, 1-based): chr16:2,039,943, G>C on the plus strand (C>G on the coding strand, the complement: NTHL1 is on the minus strand). VCF-style: chr16-2039943-G-C. GRCh37 (hg19) VCF-style: chr16-2089944-G-C.
Other names: c.725C>G, p.Pro242Arg (NM_001318193.2); c.566C>G, p.Pro189Arg (NM_001318194.2); short protein forms P299R, P242R, P189R.
Identifiers: ClinVar variation 2586097 (VCV002586097.2), dbSNP rs367629024, ClinGen allele CA394287007.